The following is an entry in ClinVar:

ClinVar aggregate classification (germline): Likely benign (1 of 4 stars; one submission).

Conditions:
CAPN15-related disorder. Also called: CAPN15-related condition.

Submission:

PreventionGenetics, part of Exact Sciences
Classification: Likely benign for CAPN15-related condition. Last evaluated: 2025-04-24. Review status: criteria provided, single submitter. Criteria: ACMG Guidelines, 2015. Collection method: clinical testing. Allele origin: germline.
Comment: This variant is classified as likely benign based on ACMG/AMP sequence variant interpretation guidelines (Richards et al. 2015 PMID: 25741868, with internal and published modifications).

NM_005632.3(CAPN15):c.1521C>T (p.Ser507=)

Gene: CAPN15 (calpain 15; plus strand). Cytogenetic location: 16p13.3.
Variant type: single nucleotide variant.
Coding change: c.1521C>T on transcript NM_005632.3 (MANE Select); coding-DNA position 1521, C replaced by T.
Protein change: p.Ser507=; no amino-acid change (serine 507 retained).
Molecular consequence: synonymous variant.
Genome position (GRCh38, 1-based): chr16:549,064, C>T. VCF-style: chr16-549064-C-T. GRCh37 (hg19) VCF-style: chr16-599064-C-T.
Identifiers: ClinVar variation 4985185 (VCV004985185.1).